The following is an entry in ClinVar:

ClinVar aggregate classification (germline): Conflicting classifications of pathogenicity. Review status: criteria provided, conflicting classifications (1 of 4 stars). 2 submissions from 2 submitters: Likely pathogenic (1); Uncertain significance (1). Last evaluated 2025-12-30.

Conditions:
Alport syndrome. Also called: Hemorrhagic familial nephritis; Hemorrhagic hereditary nephritis; Congenital hereditary hematuria. Identifiers: Orphanet 63, MedGen C1567741, MONDO:0018965.

Allele frequency attached by ClinVar (database versions not stated): ExAC 0.00001.
gnomAD v4.1: 1 of 1,614,184 alleles (0.000062%); highest among the groups gnomAD compares: Non-Finnish European, 0.000085%; no homozygotes.

Submissions (2):

Myriad Genetics, Inc.
Classification: Uncertain significance for Alport syndrome. Last evaluated: 2025-12-30. Review status: criteria provided, single submitter. Criteria: Myriad Autosomal Dominant, Autosomal Recessive and X-Linked Classification Criteria (2023). Collection method: clinical testing. Allele origin: unknown.
Comment: NM_000092.4(COL4A4):c.3169G>A(G1057S) is a missense variant classified as a variant of uncertain significance in the context of Alport syndrome, COL4A4-related. G1057S has not been observed in cases with relevant disease. Relevant functional assessments of this variant are not available in the literature. Internal structural analysis of the variant is supportive of pathogenicity. G1057S has not been observed in referenced population frequency databases. In summary, there is insufficient evidence to classify NM_000092.4(COL4A4):c.3169G>A(G1057S) as pathogenic or benign. Please note: this variant was assessed in the context of healthy population screening.

Labcorp Genetics (formerly Invitae), Labcorp
Classification: Likely pathogenic. Last evaluated: 2022-04-18. Review status: criteria provided, single submitter. Criteria: Invitae Variant Classification Sherloc (09022015). Collection method: clinical testing. Allele origin: germline.
Comment: This variant has not been reported in the literature in individuals affected with COL4A4-related conditions. This variant is present in population databases (rs774907866, gnomAD 0.0009%). This sequence change replaces glycine, which is neutral and non-polar, with serine, which is neutral and polar, at codon 1057 of the COL4A4 protein (p.Gly1057Ser). Advanced modeling of protein sequence and biophysical properties (such as structural, functional, and spatial information, amino acid conservation, physicochemical variation, residue mobility, and thermodynamic stability) performed at Invitae indicates that this missense variant is expected to disrupt COL4A4 protein function. In summary, the currently available evidence indicates that the variant is pathogenic, but additional data are needed to prove that conclusively. Therefore, this variant has been classified as Likely Pathogenic. This variant disrupts the p.Gly1057 amino acid residue in COL4A4. Other variant(s) that disrupt this residue have been determined to be pathogenic (Invitae). This suggests that this residue is clinically significant, and that variants that disrupt this residue are likely to be disease-causing.

NM_000092.5(COL4A4):c.3169G>A (p.Gly1057Ser)

Gene: COL4A4 (collagen type IV alpha 4 chain; minus strand). Cytogenetic location: 2q36.3.
Variant type: single nucleotide variant.
Coding change: c.3169G>A on transcript NM_000092.5 (MANE Select); coding-DNA position 3169, G replaced by A.
Protein change: p.Gly1057Ser; replaces glycine 1057 with serine.
Molecular consequence: missense variant.
Genome position (GRCh38, 1-based): chr2:227,050,113, C>T on the plus strand (G>A on the coding strand, the complement: COL4A4 is on the minus strand). VCF-style: chr2-227050113-C-T. GRCh37 (hg19) VCF-style: chr2-227914829-C-T.
Other names: short protein forms G1057S.
Identifiers: ClinVar variation 2123807 (VCV002123807.5), dbSNP rs774907866, ClinGen allele CA2144613.